The following is an entry in ClinVar:

ClinVar aggregate classification (germline): Pathogenic/Likely pathogenic. Review status: criteria provided, multiple submitters, no conflicts (2 of 4 stars). 10 submissions from 10 submitters: Pathogenic (7); Likely pathogenic (2). 1 of the submissions does not count toward it. Last evaluated 2026-01-28.

Conditions:
Leber congenital amaurosis 15 (LCA15). Identifiers: Orphanet 65, MedGen C3151206, MONDO:0013457, OMIM 613843.
Retinitis pigmentosa 14 (RP14). Also called: RETINITIS PIGMENTOSA, JUVENILE, TULP1-RELATED. Identifiers: Orphanet 791, MedGen C1838603, MONDO:0010827, OMIM 600132.
TULP1-related disorder. Also called: TULP1-related condition; TULP1-related disorders.
Leber congenital amaurosis (LCA). Also called: Leber's amaurosis. Identifiers: Orphanet 65, MedGen C0339527, MeSH D057130, MONDO:0018998.

Allele frequency attached by ClinVar (database versions not stated): gnomAD exomes below 0.00001; ExAC 0.00001; gnomAD 0.00001 and 0.00002; TOPMed 0.00001.
gnomAD v4.1: 4 of 1,613,382 alleles (0.00025%); highest among the groups gnomAD compares: African/African-American, 0.0027%; no homozygotes.

Submissions (10):

Labcorp Genetics (formerly Invitae), Labcorp
Classification: Pathogenic. Last evaluated: 2026-01-28. Review status: criteria provided, single submitter. Criteria: Invitae Variant Classification Sherloc (09022015). Collection method: clinical testing. Allele origin: germline.
Comment: This sequence change replaces arginine, which is basic and polar, with glutamine, which is neutral and polar, at codon 400 of the TULP1 protein (p.Arg400Gln). This variant is present in population databases (rs748972748, gnomAD 0.004%). This missense change has been observed in individuals with retinitis pigmentosa or Leber congenital amaurosis (PMID: 19339744, 23847139; internal data). It has also been observed to segregate with disease in related individuals. ClinVar contains an entry for this variant (Variation ID: 852847). Invitae Evidence Modeling of protein sequence and biophysical properties (such as structural, functional, and spatial information, amino acid conservation, physicochemical variation, residue mobility, and thermodynamic stability) indicates that this missense variant is expected to disrupt TULP1 protein function with a positive predictive value of 95%. This variant disrupts the p.Arg400 amino acid residue in TULP1. Other variant(s) that disrupt this residue have been observed in individuals with TULP1-related conditions (PMID: 15024725, 24265693, 25074776), which suggests that this may be a clinically significant amino acid residue. For these reasons, this variant has been classified as Pathogenic.

Institute of Medical Genetics and Applied Genomics, University Hospital Tübingen
Classification: Pathogenic for Retinitis pigmentosa 14. Last evaluated: 2025-09-23. Review status: criteria provided, single submitter. Criteria: ACMG Guidelines, 2015. Collection method: clinical testing. Allele origin: germline. Inheritance: Autosomal recessive inheritance. Affected: yes.

Variantyx, Inc.
Classification: Likely pathogenic for TULP1-related disorders. Last evaluated: 2025-03-24. Review status: criteria provided, single submitter. Criteria: Variantyx Assertion Criteria 2022. Collection method: clinical testing. Allele origin: maternal. Inheritance: Autosomal recessive inheritance.
Comment: This is a nonsynonymous variant in the TULP1 gene (OMIM: 602280). Pathogenic variants in this gene have been associated with autosomal recessive TULP1-related disorders. This variant has been identified in the homozygous or compound heterozygous state in at least 5 individuals from the published literature (PMID: 38841332, 19339744, 32531858) (PM3) and it has been observed to segregate with disease in at least 2 families (PMID:34588515, 19339744) (PP1_Moderate). An alternate amino acid change at this position (p.Arg400Trp) has been previously reported in similarly affected individuals, which suggests that this residue is biologically important (PMID:15024725, 24265693, 31549751) (PM5). Multiple computational algorithms predict a deleterious effect for this variant (REVEL score: 0.964) (PP3). This variant has a 0.0027% maximum allele frequency in non-founder control populations (PM2). Based on the current evidence, this variant is classified as likely pathogenic for autosomal recessive TULP1-related disorders.

SingHealth Duke-NUS Institute of Precision Medicine
Classification: Pathogenic for Retinitis pigmentosa 14. Last evaluated: 2025-02-05. Review status: criteria provided, single submitter. Criteria: PRISM ACMG Classification Criteria. Collection method: clinical testing. Allele origin: germline. Affected: yes.
Comment: Homozygous allele count in gnomAD exomes and genomes are less than 0 (PM2). Other variant at this amino acid residue has been classified as pathogenic (PM5, p.Arg400Trp). REVEL score is 0.988 (PP3_str). Variant is found in trans with another pathogenic variant (PM3)

Blueprint Genetics
Classification: Pathogenic for TULP1-related disorders. Last evaluated: 2024-08-29. Review status: criteria provided, single submitter. Criteria: ACMG Guidelines, 2015. Collection method: clinical testing. Allele origin: germline. Affected: yes. Observed: 5 variant alleles.

Fulgent Genetics
Classification: Pathogenic for Retinitis pigmentosa 14; Leber congenital amaurosis 15. Last evaluated: 2024-04-27. Review status: criteria provided, single submitter. Criteria: ACMG Guidelines, 2015. Collection method: clinical testing. Allele origin: germline.

Women's Health and Genetics/Laboratory Corporation of America, LabCorp
Classification: Pathogenic for Leber congenital amaurosis. Last evaluated: 2024-04-22. Review status: criteria provided, single submitter. Criteria: LabCorp Variant Classification Summary - May 2015. Collection method: clinical testing. Allele origin: germline.
Comment: Variant summary: TULP1 c.1199G>A (p.Arg400Gln) results in a conservative amino acid change located in the Tubby, C-terminal domain (IPR000007) of the encoded protein sequence. Four of five in-silico tools predict a damaging effect of the variant on protein function. The variant allele was found at a frequency of 4e-06 in 249630 control chromosomes. c.1199G>A has been reported in the literature in multiple individuals affected with Leber Congenital Amaurosis or Retinitis Pigmentosa (e.g. Singh_2009, Wang_2013, Weisschuh_2020). Additionally, this variant segregated with disease in 2 homozygous siblings (Singh_2009). These data indicate that the variant is very likely to be associated with disease. The following publications have been ascertained in the context of this evaluation (PMID: 29843741, 19339744, 23847139, 32531858). ClinVar contains an entry for this variant (Variation ID: 852847). Based on the evidence outlined above, the variant was classified as pathogenic.

3billion
Classification: Likely pathogenic for Retinitis pigmentosa 14. Last evaluated: 2023-08-24. Review status: criteria provided, single submitter. Criteria: ACMG Guidelines, 2015. Collection method: clinical testing. Allele origin: germline. Affected: yes.
Comment: The variant is observed at an extremely low frequency in the gnomAD v2.1.1 dataset (total allele frequency: 0.001%). Predicted Consequence/Location: Missense variant In silico tool predictions suggest damaging effect of the variant on gene or gene product [REVEL: 0.96 (>=0.6, sensitivity 0.68 and specificity 0.92); 3Cnet: 0.89 (>=0.6, sensitivity 0.72 and precision 0.9)]. Same nucleotide change resulting in same amino acid change has been previously reported as pathogenic/likely pathogenic with strong evidence (ClinVar ID: VCV000852847 /PMID: 19339744). A different missense change at the same codon (p.Arg400Trp) has been reported to be associated with TULP1 related disorder (ClinVar ID: VCV000030261 /PMID: 15024725). Therefore, this variant is classified as Likely pathogenic according to the recommendation of ACMG/AMP guideline.

CeGaT Center for Human Genetics Tuebingen
Classification: Pathogenic. Last evaluated: 2021-09-01. Review status: criteria provided, single submitter. Criteria: CeGaT Center For Human Genetics Tuebingen Variant Classification Criteria Version 2. Collection method: clinical testing. Allele origin: germline. Affected: yes. Observed: 1 variant allele.

Laboratory of Genetics in Ophthalmology, Institut Imagine
Classification: Likely pathogenic for Leber congenital amaurosis 15. Review status: no assertion criteria provided. Collection method: research. Allele origin: inherited. Affected: yes. Observed: 1 variant allele. Not counted in ClinVar's aggregate classification.

Literature cited by the submitters: PubMed 19339744 (cited by 5 submitters); PubMed 23847139 (cited by Labcorp Genetics (formerly Invitae), Labcorp and Women's Health and Genetics/Laboratory Corporation of America, LabCorp); PubMed 15024725 (cited by 3 submitters); PubMed 24265693 (cited by Labcorp Genetics (formerly Invitae), Labcorp and Variantyx, Inc.); PubMed 25074776 (cited by Labcorp Genetics (formerly Invitae), Labcorp); PubMed 34588515 (cited by Variantyx, Inc.); PubMed 38841332 (cited by Variantyx, Inc.); PubMed 32531858 (cited by Variantyx, Inc. and Women's Health and Genetics/Laboratory Corporation of America, LabCorp); PubMed 31549751 (cited by Variantyx, Inc.); PubMed 29843741 (cited by Women's Health and Genetics/Laboratory Corporation of America, LabCorp).

NM_003322.6(TULP1):c.1199G>A (p.Arg400Gln)

Gene: TULP1 (TUB like protein 1; minus strand). Cytogenetic location: 6p21.31.
Variant type: single nucleotide variant.
Coding change: c.1199G>A on transcript NM_003322.6 (MANE Select); coding-DNA position 1199, G replaced by A.
Protein change: p.Arg400Gln; replaces arginine 400 with glutamine.
Molecular consequence: missense variant.
Genome position (GRCh38, 1-based): chr6:35,503,762, C>T on the plus strand (G>A on the coding strand, the complement: TULP1 is on the minus strand). VCF-style: chr6-35503762-C-T. GRCh37 (hg19) VCF-style: chr6-35471539-C-T.
Other names: c.1040G>A, p.Arg347Gln (NM_001289395.2); short protein forms R400Q, R347Q.
Identifiers: ClinVar variation 852847 (VCV000852847.48), dbSNP rs748972748, ClinGen allele CA3772630.